The following is an entry in ClinVar:

NM_001903.5(CTNNA1):c.392T>C (p.Leu131Ser)

Gene: CTNNA1 (catenin alpha 1; plus strand). Cytogenetic location: 5q31.2.
Variant type: single nucleotide variant.
Coding change: c.392T>C on transcript NM_001903.5 (MANE Select); coding-DNA position 392, T replaced by C.
Protein change: p.Leu131Ser; replaces leucine 131 with serine.
Molecular consequence: missense variant.
Genome position (GRCh38, 1-based): chr5:138,810,128, T>C. VCF-style: chr5-138810128-T-C. GRCh37 (hg19) VCF-style: chr5-138145817-T-C.
Other names: c.392T>C, p.Leu131Ser (NM_001290307.3, NM_001323982.2, NM_001323983.1 and 3 more transcripts); c.83T>C, p.Leu28Ser (NM_001290309.3); c.23T>C, p.Leu8Ser (NM_001290310.3); short protein forms L8S, L131S, L28S.
Identifiers: ClinVar variation 1504362 (VCV001504362.8), dbSNP rs2149727282, ClinGen allele CA361123200.

ClinVar aggregate classification (germline): Uncertain significance (1 of 4 stars; one submission).

Submission:

Labcorp Genetics (formerly Invitae), Labcorp
Classification: Uncertain significance. Last evaluated: 2021-04-07. Review status: criteria provided, single submitter. Criteria: Invitae Variant Classification Sherloc (09022015). Collection method: clinical testing. Allele origin: germline.
Comment: In summary, the available evidence is currently insufficient to determine the role of this variant in disease. Therefore, it has been classified as a Variant of Uncertain Significance. Algorithms developed to predict the effect of missense changes on protein structure and function are either unavailable or do not agree on the potential impact of this missense change (SIFT: "Deleterious"; PolyPhen-2: "Probably Damaging"; Align-GVGD: "Class C0"). This variant has not been reported in the literature in individuals with CTNNA1-related conditions. This variant is not present in population databases (ExAC no frequency). This sequence change replaces leucine with serine at codon 131 of the CTNNA1 protein (p.Leu131Ser). The leucine residue is highly conserved and there is a large physicochemical difference between leucine and serine.